The following is an entry in ClinVar:

ClinVar aggregate classification (germline): Uncertain significance (1 of 4 stars; one submission).

Conditions:
Inborn genetic diseases. Identifiers: MedGen C0950123, MeSH D030342.

Submission:

Ambry Genetics
Classification: Uncertain significance for Inborn genetic diseases. Last evaluated: 2021-11-06. Review status: criteria provided, single submitter. Criteria: Ambry Variant Classification Scheme 2023. Collection method: clinical testing. Allele origin: germline.
Comment: The p.A325P variant (also known as c.973G>C), located in coding exon 9 of the MDH2 gene, results from a G to C substitution at nucleotide position 973. The alanine at codon 325 is replaced by proline, an amino acid with highly similar properties. This amino acid position is conserved. In addition, the in silico prediction for this alteration is inconclusive. Since supporting evidence is limited at this time, the clinical significance of this alteration remains unclear.

NM_005918.4(MDH2):c.973G>C (p.Ala325Pro)

Gene: MDH2 (malate dehydrogenase 2; plus strand). Cytogenetic location: 7q11.23.
Variant type: single nucleotide variant.
Coding change: c.973G>C on transcript NM_005918.4 (MANE Select); coding-DNA position 973, G replaced by C.
Protein change: p.Ala325Pro; replaces alanine 325 with proline.
Molecular consequence: missense variant.
Genome position (GRCh38, 1-based): chr7:76,066,366, G>C. VCF-style: chr7-76066366-G-C. GRCh37 (hg19) VCF-style: chr7-75695684-G-C.
Other names: c.847G>C, p.Ala283Pro (NM_001282403.2); c.652G>C, p.Ala218Pro (NM_001282404.2); short protein forms A218P, A325P, A283P.
Identifiers: ClinVar variation 1768052 (VCV001768052.2), dbSNP rs2535875818, ClinGen allele CA367770093.